The following is an entry in ClinVar:

NM_000179.3(MSH6):c.1681G>C (p.Val561Leu)

Gene: MSH6 (mutS homolog 6; plus strand). Cytogenetic location: 2p16.3.
Variant type: single nucleotide variant.
Coding change: c.1681G>C on transcript NM_000179.3 (MANE Select); coding-DNA position 1681, G replaced by C.
Protein change: p.Val561Leu; replaces valine 561 with leucine.
Molecular consequence: missense variant.
Genome position (GRCh38, 1-based): chr2:47,799,664, G>C. VCF-style: chr2-47799664-G-C. GRCh37 (hg19) VCF-style: chr2-48026803-G-C.
Other names: c.1291G>C, p.Val431Leu (NM_001281492.2); c.775G>C, p.Val259Leu (NM_001281493.2, NM_001281494.2); short protein forms V259L, V561L, V431L.
Identifiers: ClinVar variation 937693 (VCV000937693.12), dbSNP rs1553413057, ClinGen allele CA346747476.

ClinVar aggregate classification (germline): Uncertain significance. Review status: criteria provided, multiple submitters, no conflicts (2 of 4 stars). 2 submissions from 2 submitters: Uncertain significance (2). Last evaluated 2022-05-21.

Conditions:
Hereditary nonpolyposis colorectal neoplasms. Identifiers: MedGen C0009405, MeSH D003123.
Hereditary cancer-predisposing syndrome. Also called: Tumor predisposition; Hereditary neoplastic syndrome; Hereditary Cancer Syndrome; Neoplastic Syndromes, Hereditary. Identifiers: Orphanet 140162, MedGen C0027672, MeSH D009386, MONDO:0015356.

Submissions (2):

Ambry Genetics
Classification: Uncertain significance for Hereditary cancer-predisposing syndrome. Last evaluated: 2022-05-21. Review status: criteria provided, single submitter. Criteria: Ambry Variant Classification Scheme 2023. Collection method: clinical testing. Allele origin: germline.
Comment: The p.V561L variant (also known as c.1681G>C), located in coding exon 4 of the MSH6 gene, results from a G to C substitution at nucleotide position 1681. The valine at codon 561 is replaced by leucine, an amino acid with highly similar properties. This amino acid position is conserved. In addition, the in silico prediction for this alteration is inconclusive. Since supporting evidence is limited at this time, the clinical significance of this alteration remains unclear.

Labcorp Genetics (formerly Invitae), Labcorp
Classification: Uncertain significance for Hereditary nonpolyposis colorectal neoplasms. Last evaluated: 2019-08-01. Review status: criteria provided, single submitter. Criteria: Invitae Variant Classification Sherloc (09022015). Collection method: clinical testing. Allele origin: germline.
Comment: In summary, the available evidence is currently insufficient to determine the role of this variant in disease. Therefore, it has been classified as a Variant of Uncertain Significance. Algorithms developed to predict the effect of missense changes on protein structure and function are either unavailable or do not agree on the potential impact of this missense change (SIFT: "Tolerated"; PolyPhen-2: "Possibly Damaging"; Align-GVGD: "Class C0"). This variant has not been reported in the literature in individuals with MSH6-related conditions. This variant is not present in population databases (ExAC no frequency). This sequence change replaces valine with leucine at codon 561 of the MSH6 protein (p.Val561Leu). The valine residue is moderately conserved and there is a small physicochemical difference between valine and leucine.